The following is an entry in ClinVar:

ClinVar aggregate classification (germline): Likely pathogenic (1 of 4 stars; one submission).

Submission:

Labcorp Genetics (formerly Invitae), Labcorp
Classification: Likely pathogenic. Last evaluated: 2022-03-01. Review status: criteria provided, single submitter. Criteria: Invitae Variant Classification Sherloc (09022015). Collection method: clinical testing. Allele origin: germline.
Comment: This variant has not been reported in the literature in individuals affected with SLC26A4-related conditions. This variant is not present in population databases (gnomAD no frequency). This sequence change replaces tyrosine, which is neutral and polar, with aspartic acid, which is acidic and polar, at codon 530 of the SLC26A4 protein (p.Tyr530Asp). Advanced modeling of protein sequence and biophysical properties (such as structural, functional, and spatial information, amino acid conservation, physicochemical variation, residue mobility, and thermodynamic stability) performed at Invitae indicates that this missense variant is expected to disrupt SLC26A4 protein function. In summary, the currently available evidence indicates that the variant is pathogenic, but additional data are needed to prove that conclusively. Therefore, this variant has been classified as Likely Pathogenic. This variant disrupts the p.Tyr530 amino acid residue in SLC26A4. Other variant(s) that disrupt this residue have been determined to be pathogenic (PMID: 12788906, 19204907, 24224479, 26969326; MID: 9618167). This suggests that this residue is clinically significant, and that variants that disrupt this residue are likely to be disease-causing.

Literature cited by the submitters: PubMed 12788906; PubMed 19204907; PubMed 24224479; PubMed 26969326; PubMed 9618167.

NM_000441.2(SLC26A4):c.1588T>G (p.Tyr530Asp)

Gene: SLC26A4 (solute carrier family 26 member 4; plus strand). Cytogenetic location: 7q22.3.
Variant type: single nucleotide variant.
Coding change: c.1588T>G on transcript NM_000441.2 (MANE Select); coding-DNA position 1588, T replaced by G.
Protein change: p.Tyr530Asp; replaces tyrosine 530 with aspartic acid.
Molecular consequence: missense variant.
Genome position (GRCh38, 1-based): chr7:107,698,085, T>G. VCF-style: chr7-107698085-T-G. GRCh37 (hg19) VCF-style: chr7-107338530-T-G.
Other names: short protein forms Y530D.
Identifiers: ClinVar variation 2105136 (VCV002105136.4), dbSNP rs111033254, ClinGen allele CA368841630.